The following is an entry in ClinVar:

ClinVar aggregate classification (germline): Uncertain significance (1 of 4 stars; one submission).

Allele frequency attached by ClinVar (database versions not stated): TOPMed below 0.00001; ExAC 0.00001; gnomAD 0.00001; ESP Exome Variant Server 0.00008.
gnomAD v4.1: 1 of 1,611,992 alleles (0.000062%); highest among the groups gnomAD compares: Non-Finnish European, 0.000085%; no homozygotes.

Submission:

Ambry Genetics
Classification: Uncertain significance. Last evaluated: 2024-04-05. Review status: criteria provided, single submitter. Criteria: Ambry Variant Classification Scheme 2023. Collection method: clinical testing. Allele origin: germline.
Comment: The p.V1233A variant (also known as c.3698T>C), located in coding exon 16 of the POLQ gene, results from a T to C substitution at nucleotide position 3698. The valine at codon 1233 is replaced by alanine, an amino acid with similar properties. This amino acid position is conserved. In addition, this alteration is predicted to be tolerated by in silico analysis. Since supporting evidence is limited at this time, the clinical significance of this alteration remains unclear.

NM_199420.4(POLQ):c.3698T>C (p.Val1233Ala)

Gene: POLQ (DNA polymerase theta; minus strand). Cytogenetic location: 3q13.33.
Variant type: single nucleotide variant.
Coding change: c.3698T>C on transcript NM_199420.4 (MANE Select); coding-DNA position 3698, T replaced by C.
Protein change: p.Val1233Ala; replaces valine 1233 with alanine.
Molecular consequence: missense variant.
Genome position (GRCh38, 1-based): chr3:121,489,233, A>G on the plus strand (T>C on the coding strand, the complement: POLQ is on the minus strand). VCF-style: chr3-121489233-A-G. GRCh37 (hg19) VCF-style: chr3-121208080-A-G.
Other names: short protein forms V1233A.
Identifiers: ClinVar variation 1734012 (VCV001734012.3), dbSNP rs369242432, ClinGen allele CA2563016.
Genomic context (GRCh38, chr3:121,489,233, plus strand): 5'-TGAAAATGACTTGGTTTATTTTCCTCTGTATTAAGCTTTATCCTTTCACAATTGATAGTA[A>G]CATTTGAGTCTCTATTTATGTAACTACTGACTGCTTCACAGGGCATTTGTCTCTCTATTA-3'
Protein context (NP_955452.3, residues 1223-1243): VSSYINRDSN[Val1233Ala]TINCERIKLN